The following is an entry in ClinVar:

ClinVar aggregate classification (germline): Benign (1 of 4 stars; one submission).

Allele frequency attached by ClinVar (database versions not stated): 1000 Genomes Project 0.05491; gnomAD 0.05702 and 0.06130; 1000 Genomes Project 30x 0.05965; TOPMed 0.06386.
gnomAD v4.1: 8,546 of 151,584 alleles (5.6%); highest among the groups gnomAD compares: African/African-American, 20%; 829 homozygotes.

Submissions (4):

GeneDx
Classification: Benign. Last evaluated: 2018-06-14. Review status: criteria provided, single submitter. Criteria: GeneDx Variant Classification (06012015). Collection method: clinical testing. Allele origin: germline. Affected: yes.
Comment: This variant is considered likely benign or benign based on one or more of the following criteria: it is a conservative change, it occurs at a poorly conserved position in the protein, it is predicted to be benign by multiple in silico algorithms, and/or has population frequency not consistent with disease.

Dr. Peter K. Rogan Lab, Western University
No classification provided (evidence only). Condition: Cervical cancer. Review status: no classification provided. Collection method: in vitro. Allele origin: not applicable. Functional consequence: retained intron. Not counted in ClinVar's aggregate classification.

Dr. Peter K. Rogan Lab, Western University
No classification provided (evidence only). Condition: Cholangiocarcinoma. Review status: no classification provided. Collection method: in vitro. Allele origin: not applicable. Functional consequence: retained intron. Not counted in ClinVar's aggregate classification.

Dr. Peter K. Rogan Lab, Western University
No classification provided (evidence only). Condition: Ovarian serous cystadenocarcinoma. Review status: no classification provided. Collection method: in vitro. Allele origin: not applicable. Functional consequence: retained intron. Not counted in ClinVar's aggregate classification.

NM_182961.4(SYNE1):c.22191+170G>A

Gene: SYNE1 (spectrin repeat containing nuclear envelope protein 1; minus strand). Cytogenetic location: 6q25.2.
Variant type: single nucleotide variant.
Coding change: c.22191+170G>A on transcript NM_182961.4 (MANE Select); 170 bases into the intron after coding-DNA position 22191, G replaced by A.
Molecular consequence: intron variant.
Genome position (GRCh38, 1-based): chr6:152,218,087, C>T on the plus strand (G>A on the coding strand, the complement: SYNE1 is on the minus strand). VCF-style: chr6-152218087-C-T. GRCh37 (hg19) VCF-style: chr6-152539222-C-T.
Other names: NC_000006.11:g.152539222C>T; c.21978+170G>A (NM_033071.5).
Identifiers: ClinVar variation 672667 (VCV000672667.2), dbSNP rs9479269, ClinGen allele CA150180005.